The following is an entry in ClinVar:

ClinVar aggregate classification (germline): Uncertain significance (1 of 4 stars; one submission).

gnomAD v4.1: 1 of 1,590,438 alleles (0.000063%); highest among the groups gnomAD compares: Non-Finnish European, 0.000086%; no homozygotes.

Submission:

Labcorp Genetics (formerly Invitae), Labcorp
Classification: Uncertain significance. Last evaluated: 2024-12-04. Review status: criteria provided, single submitter. Criteria: Invitae Variant Classification Sherloc (09022015). Collection method: clinical testing. Allele origin: germline.
Comment: This sequence change replaces threonine, which is neutral and polar, with arginine, which is basic and polar, at codon 774 of the MSH3 protein (p.Thr774Arg). This variant is not present in population databases (gnomAD no frequency). This variant has not been reported in the literature in individuals affected with MSH3-related conditions. An algorithm developed to predict the effect of missense changes on protein structure and function (PolyPhen-2) suggests that this variant is likely to be disruptive. Studies have shown that this missense change is associated with inconclusive levels of altered splicing (internal data). In summary, the available evidence is currently insufficient to determine the role of this variant in disease. Therefore, it has been classified as a Variant of Uncertain Significance.

NM_002439.5(MSH3):c.2321C>G (p.Thr774Arg)

Gene: MSH3 (mutS homolog 3; plus strand). Cytogenetic location: 5q14.1.
Variant type: single nucleotide variant.
Coding change: c.2321C>G on transcript NM_002439.5 (MANE Select); coding-DNA position 2321, C replaced by G.
Protein change: p.Thr774Arg; replaces threonine 774 with arginine.
Molecular consequence: missense variant.
Genome position (GRCh38, 1-based): chr5:80,778,722, C>G. VCF-style: chr5-80778722-C-G. GRCh37 (hg19) VCF-style: chr5-80074541-C-G.
Other names: short protein forms T774R.
Identifiers: ClinVar variation 3726607 (VCV003726607.2).